The following is an entry in ClinVar:

NM_024577.4(SH3TC2):c.2919G>A (p.Val973=)

Gene: SH3TC2 (SH3 domain and tetratricopeptide repeats 2; minus strand). Cytogenetic location: 5q32.
Variant type: single nucleotide variant.
Coding change: c.2919G>A on transcript NM_024577.4 (MANE Select); coding-DNA position 2919, G replaced by A.
Protein change: p.Val973=; no amino-acid change (valine 973 retained).
Molecular consequence: synonymous variant.
Genome position (GRCh38, 1-based): chr5:149,026,706, C>T on the plus strand (G>A on the coding strand, the complement: SH3TC2 is on the minus strand). VCF-style: chr5-149026706-C-T. GRCh37 (hg19) VCF-style: chr5-148406269-C-T.
Identifiers: ClinVar variation 696999 (VCV000696999.13), dbSNP rs145528276, ClinGen allele CA3498895.
Genomic context (GRCh38, chr5:149,026,706, plus strand): 5'-TTGCTGAGCCAGGGCCAGCCAGTGCTCATGGTAGGTGATGCATGCCTCAGGGTTTGGGGA[C>T]ACAGAGCTGTAGAAATGGCAGAGGGATTTGGTGGCCTGAAGCTGACCTGAACACAAAGCA-3'
Protein context (NP_078853.2, residues 963-983): TKSLCHFYSS[Val973=]SPNPEACITY

ClinVar aggregate classification (germline): Likely benign. Review status: criteria provided, multiple submitters, no conflicts (2 of 4 stars). 3 submissions from 3 submitters: Likely benign (3). Last evaluated 2026-01-05.

Conditions:
Charcot-Marie-Tooth disease type 4. Also called: Charcot-Marie-Tooth disease, type IV; Charcot-Marie-Tooth, Type 4. Identifiers: Orphanet 64749, MedGen C4082197, MONDO:0018995.
SH3TC2-related disorder. Also called: SH3TC2-related disorders; SH3TC2-related condition. Identifiers: MedGen CN239303.

Allele frequency attached by ClinVar (database versions not stated): gnomAD exomes 0.00004 and 0.00007; ExAC 0.00007; 1000 Genomes Project 0.00020; gnomAD 0.00028 and 0.00034; TOPMed 0.00028; 1000 Genomes Project 30x 0.00031; ESP Exome Variant Server 0.00038.
gnomAD v4.1: 106 of 1,614,176 alleles (0.0066%); highest among the groups gnomAD compares: African/African-American, 0.13%; no homozygotes.

Submissions (3):

Labcorp Genetics (formerly Invitae), Labcorp
Classification: Likely benign for Charcot-Marie-Tooth disease type 4. Last evaluated: 2026-01-05. Review status: criteria provided, single submitter. Criteria: Invitae Variant Classification Sherloc (09022015). Collection method: clinical testing. Allele origin: germline.

PreventionGenetics, part of Exact Sciences
Classification: Likely benign for SH3TC2-related condition. Last evaluated: 2025-04-10. Review status: criteria provided, single submitter. Criteria: ACMG Guidelines, 2015. Collection method: clinical testing. Allele origin: germline.
Comment: This variant is classified as likely benign based on ACMG/AMP sequence variant interpretation guidelines (Richards et al. 2015 PMID: 25741868, with internal and published modifications).

Blueprint Genetics
Classification: Likely benign. Last evaluated: 2024-09-13. Review status: criteria provided, single submitter. Criteria: ACMG Guidelines, 2015. Collection method: clinical testing. Allele origin: germline.